The following is an entry in ClinVar:

ClinVar aggregate classification (germline): Uncertain significance (1 of 4 stars; one submission).

Submission:

Labcorp Genetics (formerly Invitae), Labcorp
Classification: Uncertain significance. Last evaluated: 2025-04-19. Review status: criteria provided, single submitter. Criteria: Invitae Variant Classification Sherloc (09022015). Collection method: clinical testing. Allele origin: germline.
Comment: This sequence change replaces proline, which is neutral and non-polar, with threonine, which is neutral and polar, at codon 1276 of the ERBIN protein (p.Pro1276Thr). This variant is not present in population databases (gnomAD no frequency). This variant has not been reported in the literature in individuals affected with ERBIN-related conditions. An algorithm developed to predict the effect of missense changes on protein structure and function (PolyPhen-2) suggests that this variant is likely to be tolerated. In summary, the available evidence is currently insufficient to determine the role of this variant in disease. Therefore, it has been classified as a Variant of Uncertain Significance.

NM_001253697.2(ERBIN):c.3826C>A (p.Pro1276Thr)

Gene: ERBIN (erbb2 interacting protein; plus strand). Cytogenetic location: 5q12.3.
Variant type: single nucleotide variant.
Coding change: c.3826C>A on transcript NM_001253697.2 (MANE Select); coding-DNA position 3826, C replaced by A.
Protein change: p.Pro1276Thr; replaces proline 1276 with threonine.
Molecular consequence: missense variant. On other transcripts: intron variant (1).
Genome position (GRCh38, 1-based): chr5:66,075,093, C>A. VCF-style: chr5-66075093-C-A. GRCh37 (hg19) VCF-style: chr5-65370921-C-A.
Other names: c.3703C>A, p.Pro1235Thr (NM_001253698.2, NM_018695.4); c.3847C>A, p.Pro1283Thr (NM_001253699.2); c.3691C>A, p.Pro1231Thr (NM_001253701.2); c.3634-1223C>A (NM_001006600.3); short protein forms P1231T, P1276T, P1283T, P1235T.
Identifiers: ClinVar variation 4710652 (VCV004710652.1).
Genomic context (GRCh38, chr5:66,075,093, plus strand): 5'-AGTAATGGACAGATGGGCCAGCCTCTCAGGCCTCAGGCAAATTATAGTCAAATACATCAC[C>A]CCCCTCAGGCATCTGTGGCAAGGCATCCCTCTAGAGAACAACTAATTGATTACTTGATGC-3'
Protein context (NP_001240626.1, residues 1266-1286): PQANYSQIHH[Pro1276Thr]PQASVARHPS